The following is an entry in ClinVar:

NM_000256.3(MYBPC3):c.2635_2653dup (p.Thr885delinsArgGlyArgLeuTer)

Gene: MYBPC3 (myosin binding protein C3; minus strand). Cytogenetic location: 11p11.2.
Variant type: Duplication.
Coding change: c.2635_2653dup on transcript NM_000256.3 (MANE Select); coding-DNA positions 2635 to 2653, 19 bases duplicated (GAGGACGTCTCTGACACCA).
Protein change: p.Thr885delinsArgGlyArgLeuTer.
Molecular consequence: nonsense.
Genome position (GRCh38, 1-based): chr11:47,335,961-47,335,979, TGGTGTCAGAGACGTCCTC duplicated on the plus strand (GAGGACGTCTCTGACACCA on the coding strand, the reverse complement: MYBPC3 is on the minus strand); duplicating any 19 consecutive bases within chr11:47,335,961-47,335,980 gives the same sequence; the c. name uses the placement nearest the transcript's 3' end. VCF-style (leftmost placement, unchanged base first): chr11-47335960-G-GTGGTGTCAGAGACGTCCTC. GRCh37 (hg19) VCF-style: chr11-47357511-G-GTGGTGTCAGAGACGTCCTC.
Identifiers: ClinVar variation 3905880 (VCV003905880.11).

ClinVar aggregate classification (germline): Pathogenic. Review status: criteria provided, multiple submitters, no conflicts (2 of 4 stars). 2 submissions from 2 submitters: Pathogenic (2). Last evaluated 2025-09-14.

Conditions:
Hypertrophic cardiomyopathy. Also called: HYPERTROPHIC MYOCARDIOPATHY. Identifiers: Orphanet 217569, MedGen C0007194, MeSH D002312, MONDO:0005045, HP:0001639.

Submissions (2):

Labcorp Genetics (formerly Invitae), Labcorp
Classification: Pathogenic for Hypertrophic cardiomyopathy. Last evaluated: 2025-09-14. Review status: criteria provided, single submitter. Criteria: Invitae Variant Classification Sherloc (09022015). Collection method: clinical testing. Allele origin: germline.
Comment: This sequence change creates a premature translational stop signal (p.Thr885delinsArgGlyArgLeu*) in the MYBPC3 gene. It is expected to result in an absent or disrupted protein product. Loss-of-function variants in MYBPC3 are known to be pathogenic (PMID: 19574547). This variant is not present in population databases (gnomAD no frequency). This variant has not been reported in the literature in individuals affected with MYBPC3-related conditions. ClinVar contains an entry for this variant (Variation ID: 3905880). For these reasons, this variant has been classified as Pathogenic.

CeGaT Center for Human Genetics Tuebingen
Classification: Pathogenic. Last evaluated: 2025-05-01. Review status: criteria provided, single submitter. Criteria: CeGaT Center For Human Genetics Tuebingen Variant Classification Criteria Version 2. Collection method: clinical testing. Allele origin: germline. Affected: yes. Observed: 1 variant allele.
Comment: MYBPC3: PVS1, PM2

Literature cited by the submitters: PubMed 19574547 (cited by Labcorp Genetics (formerly Invitae), Labcorp).